The following is an entry in ClinVar:

ClinVar aggregate classification (germline): Benign/Likely benign. Review status: criteria provided, multiple submitters, no conflicts (2 of 4 stars). 19 submissions from 14 submitters: Benign (15); Likely benign (1). 3 of the submissions do not count toward it. Last evaluated 2026-02-04.

Conditions:
Cryopyrin associated periodic syndrome (CAPS). Identifiers: Orphanet 208650, MedGen C2316212, MONDO:0016168.
Keratitis fugax hereditaria. Also called: KERATOENDOTHELIITIS FUGAX HEREDITARIA. Identifiers: Orphanet 647815, MedGen C1835697, MONDO:0007849, OMIM 148200.
Chronic infantile neurological, cutaneous and articular syndrome (CINCA). Also called: Prieur Griscelli syndrome; CRYOPYRIN-ASSOCIATED PERIODIC SYNDROME 3; CINCA syndrome; CHRONIC NEUROLOGIC CUTANEOUS AND ARTICULAR SYNDROME. Identifiers: Orphanet 1451, MedGen C0409818, MONDO:0011776, OMIM 607115.
Familial cold autoinflammatory syndrome 1 (FCAS1). Also called: CRYOPYRIN-ASSOCIATED PERIODIC SYNDROME 1; Familial cold inflammatory syndrome 1. Identifiers: Orphanet 47045, MedGen C4551895, MONDO:0007349, OMIM 120100.
Familial amyloid nephropathy with urticaria AND deafness (MWS). Also called: MUCKLE-WELLS SYNDROME; Urticaria, deafness and amyloidosis; CRYOPYRIN-ASSOCIATED PERIODIC SYNDROME 2; UDA SYNDROME; URTICARIA-DEAFNESS-AMYLOIDOSIS SYNDROME. Identifiers: Orphanet 575, MedGen C0268390, MONDO:0008633, OMIM 191900.

Allele frequency attached by ClinVar (database versions not stated): 1000 Genomes Project 30x 0.37445; 1000 Genomes Project 0.38738; TOPMed 0.39782; ESP Exome Variant Server 0.40597.
gnomAD v4.1: 860,268 of 1,613,644 alleles (53%); highest among the groups gnomAD compares: East Asian, 57%; 237,951 homozygotes.

Submissions (19):

Labcorp Genetics (formerly Invitae), Labcorp
Classification: Benign for Cryopyrin associated periodic syndrome. Last evaluated: 2026-02-04. Review status: criteria provided, single submitter. Criteria: Invitae Variant Classification Sherloc (09022015). Collection method: clinical testing. Allele origin: germline.

Women's Health and Genetics/Laboratory Corporation of America, LabCorp
Classification: Benign. Last evaluated: 2026-01-21. Review status: criteria provided, single submitter. Criteria: LabCorp Variant Classification Summary - May 2015. Collection method: clinical testing. Allele origin: germline.

ARUP Laboratories, Molecular Genetics and Genomics, ARUP Laboratories
Classification: Benign. Last evaluated: 2025-07-30. Review status: criteria provided, single submitter. Criteria: ARUP Molecular Germline Variant Investigation Process 2024. Collection method: clinical testing. Allele origin: germline.

Blueprint Genetics
Classification: Likely benign. Last evaluated: 2024-11-26. Review status: criteria provided, single submitter. Criteria: ACMG Guidelines, 2015. Collection method: clinical testing. Allele origin: germline.

Unidad de Genómica Garrahan, Hospital de Pediatría Garrahan
Classification: Benign. Last evaluated: 2023-11-12. Review status: criteria provided, single submitter. Criteria: ACMG Guidelines, 2015. Collection method: clinical testing. Allele origin: germline. Affected: no. Observed: 63 variant alleles.
Comment: This variant is classified as Benign based on local population frequency. This variant was detected in 66% of patients studied by a panel of primary immunodeficiencies. Number of patients: 63. Only high quality variants are reported.

Mayo Clinic Laboratories, Mayo Clinic
Classification: Benign. Last evaluated: 2022-03-09. Review status: criteria provided, single submitter. Criteria: ACMG Guidelines, 2015. Collection method: clinical testing. Allele origin: germline. Observed: 912 variant alleles.

Genome-Nilou Lab
Classification: Benign for Familial cold autoinflammatory syndrome 1. Last evaluated: 2021-09-05. Review status: criteria provided, single submitter. Criteria: ACMG Guidelines, 2015. Collection method: clinical testing. Allele origin: germline. Affected: no.

Genome-Nilou Lab
Classification: Benign for Chronic infantile neurological, cutaneous and articular syndrome. Last evaluated: 2021-09-05. Review status: criteria provided, single submitter. Criteria: ACMG Guidelines, 2015. Collection method: clinical testing. Allele origin: germline. Affected: no.

Genome-Nilou Lab
Classification: Benign for Keratitis fugax hereditaria. Last evaluated: 2021-09-05. Review status: criteria provided, single submitter. Criteria: ACMG Guidelines, 2015. Collection method: clinical testing. Allele origin: germline. Affected: no.

Genome-Nilou Lab
Classification: Benign for Familial amyloid nephropathy with urticaria AND deafness. Last evaluated: 2021-09-05. Review status: criteria provided, single submitter. Criteria: ACMG Guidelines, 2015. Collection method: clinical testing. Allele origin: germline. Affected: no.

Illumina Laboratory Services, Illumina
Classification: Benign for Familial amyloid nephropathy with urticaria AND deafness. Last evaluated: 2018-01-13. Review status: criteria provided, single submitter. Criteria: ICSL Variant Classification Criteria 13 December 2019. Collection method: clinical testing. Allele origin: germline.
Comment: This variant was observed in the ICSL laboratory as part of a predisposition screen in an ostensibly healthy population. It had not been previously curated by ICSL or reported in the Human Gene Mutation Database (HGMD: prior to June 1st, 2018), and was therefore a candidate for classification through an automated scoring system. Utilizing variant allele frequency, disease prevalence and penetrance estimates, and inheritance mode, an automated score was calculated to assess if this variant is too frequent to cause the disease. Based on the score and internal cut-off values, a variant classified as benign is not then subjected to further curation. The score for this variant resulted in a classification of benign for this disease.

Illumina Laboratory Services, Illumina
Classification: Benign for Chronic infantile neurological, cutaneous and articular syndrome. Last evaluated: 2018-01-13. Review status: criteria provided, single submitter. Criteria: ICSL Variant Classification Criteria 13 December 2019. Collection method: clinical testing. Allele origin: germline.
Comment: the same text as in the submission from Illumina Laboratory Services, Illumina above.

Illumina Laboratory Services, Illumina
Classification: Benign for Familial cold autoinflammatory syndrome 1. Last evaluated: 2018-01-13. Review status: criteria provided, single submitter. Criteria: ICSL Variant Classification Criteria 13 December 2019. Collection method: clinical testing. Allele origin: germline.
Comment: the same text as in the submission from Illumina Laboratory Services, Illumina above.

Laboratory for Molecular Medicine, Mass General Brigham Personalized Medicine
Classification: Benign. Last evaluated: 2016-03-28. Review status: criteria provided, single submitter. Criteria: LMM Criteria. Collection method: clinical testing. Allele origin: germline. Observed: 198 variant alleles.
Comment: p.Ala244Ala in exon 5 of NLRP3: This variant is not expected to have clinical si gnificance because it has been identified in 49.5% (137182/276910) of chromosome s from several racial/ethnically diverse populations by the Genome Aggregation D atabase (gnomAD; dbSNPrs3806268).

Breakthrough Genomics
Classification: Benign. Review status: criteria provided, single submitter. Criteria: ACMG Guidelines, 2015. Collection method: not provided. Allele origin: germline. Inheritance: Autosomal dominant inheritance. Affected: yes.

PreventionGenetics, part of Exact Sciences
Classification: Benign. Review status: criteria provided, single submitter. Criteria: ACMG Guidelines, 2015. Collection method: clinical testing. Allele origin: germline.

Diagnostic Laboratory, Department of Genetics, University Medical Center Groningen
Classification: Benign. Review status: no assertion criteria provided. Collection method: clinical testing. Allele origin: germline. Affected: yes. Study: VKGL Data-share Consensus. Not counted in ClinVar's aggregate classification.

Genome Diagnostics Laboratory, University Medical Center Utrecht
Classification: Benign. Review status: no assertion criteria provided. Collection method: clinical testing. Allele origin: germline. Affected: yes. Study: VKGL Data-share Consensus. Not counted in ClinVar's aggregate classification.

Joint Genome Diagnostic Labs from Nijmegen and Maastricht, Radboudumc and MUMC+
Classification: Benign. Review status: no assertion criteria provided. Collection method: clinical testing. Allele origin: germline. Affected: yes. Study: VKGL Data-share Consensus. Not counted in ClinVar's aggregate classification.

NM_001243133.2(NLRP3):c.726G>A (p.Ala242=)

Gene: NLRP3 (NLR family pyrin domain containing 3; plus strand). Cytogenetic location: 1q44.
Variant type: single nucleotide variant.
Coding change: c.726G>A on transcript NM_001243133.2 (MANE Select); coding-DNA position 726, G replaced by A.
Protein change: p.Ala242=; no amino-acid change (alanine 242 retained).
Molecular consequence: synonymous variant.
Genome position (GRCh38, 1-based): chr1:247,424,175, G>A. VCF-style: chr1-247424175-G-A. GRCh37 (hg19) VCF-style: chr1-247587477-G-A.
Other names: p.Ala244=; c.726G>A, p.Ala242= (NM_001079821.3, NM_001127461.3, NM_001127462.3 and 1 more transcripts); c.732G>A, p.Ala244= (NM_004895.5).
Identifiers: ClinVar variation 138528 (VCV000138528.47), dbSNP rs3806268, ClinGen allele CA292555.